The following is an entry in ClinVar:

ClinVar aggregate classification (germline): Uncertain significance (1 of 4 stars; one submission).

Allele frequency attached by ClinVar (database versions not stated): ExAC 0.00001; gnomAD 0.00001; gnomAD exomes 0.00001; TOPMed 0.00002.

Submission:

Labcorp Genetics (formerly Invitae), Labcorp
Classification: Uncertain significance. Last evaluated: 2022-05-16. Review status: criteria provided, single submitter. Criteria: Invitae Variant Classification Sherloc (09022015). Collection method: clinical testing. Allele origin: germline.
Comment: This sequence change replaces serine, which is neutral and polar, with threonine, which is neutral and polar, at codon 884 of the DRP2 protein (p.Ser884Thr). This variant is present in population databases (rs749974584, gnomAD 0.001%). This missense change has been observed in individual(s) with clinical features of Charcot-Marie-Tooth disease (Invitae). Algorithms developed to predict the effect of missense changes on protein structure and function are either unavailable or do not agree on the potential impact of this missense change (SIFT: "Deleterious"; PolyPhen-2: "Benign"; Align-GVGD: "Class C0"). Algorithms developed to predict the effect of sequence changes on RNA splicing suggest that this variant may create or strengthen a splice site. In summary, the available evidence is currently insufficient to determine the role of this variant in disease. Therefore, it has been classified as a Variant of Uncertain Significance.

NM_001939.3(DRP2):c.2651G>C (p.Ser884Thr)

Gene: DRP2 (dystrophin related protein 2; plus strand). Cytogenetic location: Xq22.1.
Variant type: single nucleotide variant.
Coding change: c.2651G>C on transcript NM_001939.3 (MANE Select); coding-DNA position 2651, G replaced by C.
Protein change: p.Ser884Thr; replaces serine 884 with threonine.
Molecular consequence: missense variant.
Genome position (GRCh38, 1-based): chrX:101,260,071, G>C. VCF-style: chrX-101260071-G-C. GRCh37 (hg19) VCF-style: chrX-100515060-G-C.
Other names: c.2417G>C, p.Ser806Thr (NM_001171184.2); short protein forms S884T, S806T.
Identifiers: ClinVar variation 1967313 (VCV001967313.5), dbSNP rs749974584, ClinGen allele CA10472508.